The following is an entry in ClinVar:

ClinVar aggregate classification (germline): Uncertain significance (1 of 4 stars; one submission).

Conditions:
Familial cold autoinflammatory syndrome 4 (FCAS4). Identifiers: Orphanet 47045, Orphanet 576349, MedGen C4015276, MONDO:0014498, OMIM 616115.
Periodic fever-infantile enterocolitis-autoinflammatory syndrome. Also called: Autoinflammation with infantile enterocolitis. Identifiers: Orphanet 436166, MedGen C4015067, MONDO:0014472, OMIM 616050.

Submission:

Labcorp Genetics (formerly Invitae), Labcorp
Classification: Uncertain significance for Periodic fever-infantile enterocolitis-autoinflammatory syndrome; Familial cold autoinflammatory syndrome 4. Last evaluated: 2020-09-08. Review status: criteria provided, single submitter. Criteria: Invitae Variant Classification Sherloc (09022015). Collection method: clinical testing. Allele origin: germline.
Comment: This sequence change replaces arginine with leucine at codon 148 of the NLRC4 protein (p.Arg148Leu). The arginine residue is highly conserved and there is a moderate physicochemical difference between arginine and leucine. This variant is not present in population databases (ExAC no frequency). In summary, the available evidence is currently insufficient to determine the role of this variant in disease. Therefore, it has been classified as a Variant of Uncertain Significance. Algorithms developed to predict the effect of missense changes on protein structure and function are either unavailable or do not agree on the potential impact of this missense change (SIFT: "Deleterious"; PolyPhen-2: "Possibly Damaging"; Align-GVGD: "Class C0"). This variant has not been reported in the literature in individuals with NLRC4-related conditions.

NM_001199138.2(NLRC4):c.443G>T (p.Arg148Leu)

Gene: NLRC4 (NLR family CARD domain containing 4; minus strand). Cytogenetic location: 2p22.3.
Variant type: single nucleotide variant.
Coding change: c.443G>T on transcript NM_001199138.2 (MANE Select); coding-DNA position 443, G replaced by T.
Protein change: p.Arg148Leu; replaces arginine 148 with leucine.
Molecular consequence: missense variant. On other transcripts: intron variant (1).
Genome position (GRCh38, 1-based): chr2:32,251,421, C>A on the plus strand (G>T on the coding strand, the complement: NLRC4 is on the minus strand). VCF-style: chr2-32251421-C-A. GRCh37 (hg19) VCF-style: chr2-32476490-C-A.
Other names: c.443G>T, p.Arg148Leu (NM_001199139.2, NM_021209.5); c.262+998G>T (NM_001302504.1); short protein forms R148L.
Identifiers: ClinVar variation 1044706 (VCV001044706.8), dbSNP rs377088692, ClinGen allele CA346516079.